The following is an entry in ClinVar:

NM_004360.5(CDH1):c.200C>G (p.Ala67Gly)

Gene: CDH1 (cadherin 1; plus strand). Cytogenetic location: 16q22.1.
Variant type: single nucleotide variant.
Coding change: c.200C>G on transcript NM_004360.5 (MANE Select); coding-DNA position 200, C replaced by G.
Protein change: p.Ala67Gly; replaces alanine 67 with glycine.
Molecular consequence: missense variant. On other transcripts: 5 prime UTR variant (2).
Genome position (GRCh38, 1-based): chr16:68,801,706, C>G. VCF-style: chr16-68801706-C-G. GRCh37 (hg19) VCF-style: chr16-68835609-C-G.
Other names: p.A67G:GCC>GGC; c.200C>G (LRG_301t1); c.200C>G, p.Ala67Gly (NM_001317184.2); c.-1416C>G (NM_001317185.2); c.-1620C>G (NM_001317186.2); short protein forms A67G.
Identifiers: ClinVar variation 182389 (VCV000182389.21), dbSNP rs730881660, ClinGen allele CA298962.

ClinVar aggregate classification (germline): Conflicting classifications of pathogenicity. Review status: criteria provided, conflicting classifications (1 of 4 stars). 6 submissions from 6 submitters: Uncertain significance (5); Benign (1). Last evaluated 2025-11-20.

Conditions:
Hereditary cancer-predisposing syndrome. Also called: Tumor predisposition; Hereditary Cancer Syndrome; Hereditary neoplastic syndrome; Neoplastic Syndromes, Hereditary. Identifiers: Orphanet 140162, MedGen C0027672, MeSH D009386, MONDO:0015356.
Hereditary diffuse gastric adenocarcinoma (HDGC). Also called: DIFFUSE GASTRIC AND LOBULAR BREAST CANCER SYNDROME. Identifiers: Orphanet 26106, MedGen C1708349, MONDO:0007648, OMIM 137215.
Familial cancer of breast. Also called: BREAST CANCER, FAMILIAL; hereditary breast carcinoma; Hereditary breast cancer. Identifiers: Orphanet 227535, MedGen C0346153, MONDO:0016419, OMIM 114480. Disease mechanism: loss of function.

Allele frequency attached by ClinVar (database versions not stated): TOPMed 0.00002.
gnomAD v4.1: 2 of 1,614,150 alleles (0.00012%); highest among the groups gnomAD compares: African/African-American, 0.0013%; no homozygotes.

Submissions (6):

Labcorp Genetics (formerly Invitae), Labcorp
Classification: Uncertain significance for Hereditary diffuse gastric adenocarcinoma. Last evaluated: 2025-11-20. Review status: criteria provided, single submitter. Criteria: Invitae Variant Classification Sherloc (09022015). Collection method: clinical testing. Allele origin: germline.
Comment: This sequence change replaces alanine, which is neutral and non-polar, with glycine, which is neutral and non-polar, at codon 67 of the CDH1 protein (p.Ala67Gly). This variant is not present in population databases (gnomAD no frequency). This variant has not been reported in the literature in individuals affected with CDH1-related conditions. ClinVar contains an entry for this variant (Variation ID: 182389). An algorithm developed to predict the effect of missense changes on protein structure and function (PolyPhen-2) suggests that this variant is likely to be disruptive. In summary, the available evidence is currently insufficient to determine the role of this variant in disease. Therefore, it has been classified as a Variant of Uncertain Significance.

Ambry Genetics
Classification: Benign for Hereditary cancer-predisposing syndrome. Last evaluated: 2024-02-29. Review status: criteria provided, single submitter. Criteria: Ambry Variant Classification Scheme 2023. Collection method: clinical testing. Allele origin: germline.

Baylor Genetics
Classification: Uncertain significance for Familial cancer of breast. Last evaluated: 2023-09-28. Review status: criteria provided, single submitter. Criteria: ACMG Guidelines, 2015. Collection method: clinical testing. Allele origin: unknown.

Color Diagnostics, LLC DBA Color Health
Classification: Uncertain significance for Hereditary cancer-predisposing syndrome. Last evaluated: 2022-02-08. Review status: criteria provided, single submitter. Criteria: ACMG Guidelines, 2015. Collection method: clinical testing. Allele origin: germline.
Comment: This missense variant replaces alanine with glycine at codon 67 of the CDH1 protein. To our knowledge, functional studies have not been reported for this variant. This variant has not been reported in individuals affected with hereditary cancer in the literature. This variant has not been identified in the general population by the Genome Aggregation Database (gnomAD). The available evidence is insufficient to determine the role of this variant in disease conclusively. Therefore, this variant is classified as a Variant of Uncertain Significance.

GeneDx
Classification: Uncertain significance. Last evaluated: 2020-02-03. Review status: criteria provided, single submitter. Criteria: GeneDx Variant Classification Process June 2021. Collection method: clinical testing. Allele origin: germline. Affected: yes.
Comment: Not observed in large population cohorts (Lek 2016); In silico analysis supports that this missense variant does not alter protein structure/function; Has not been previously published as pathogenic or benign to our knowledge

Women's Health and Genetics/Laboratory Corporation of America, LabCorp
Classification: Uncertain significance. Last evaluated: 2019-01-29. Review status: criteria provided, single submitter. Criteria: LabCorp Variant Classification Summary - May 2015. Collection method: clinical testing. Allele origin: germline.
Comment: Variant summary: CDH1 c.200C>G (p.Ala67Gly) results in a non-conservative amino acid change located in the cadherin prodomain (IPR014868) of the encoded protein sequence. Three of five in-silico tools predict a benign effect of the variant on protein function. The variant was absent in 246208 control chromosomes (gnomAD). The available data on variant occurrences in the general population are insufficient to allow any conclusion about variant significance. To our knowledge, no occurrence of c.200C>G in individuals affected with Hereditary Diffuse Gastric Cancer and no experimental evidence demonstrating its impact on protein function have been reported. Two clinical diagnostic laboratories have submitted clinical-significance assessments for this variant to ClinVar after 2014 without evidence for independent evaluation, and both classified the variant as uncertain significance. Based on the evidence outlined above, the variant was classified as uncertain significance.